The following is an entry in ClinVar:

NM_000350.3(ABCA4):c.6453G>T (p.Met2151Ile)

Gene: ABCA4 (ATP binding cassette subfamily A member 4; minus strand). Cytogenetic location: 1p22.1.
Variant type: single nucleotide variant.
Coding change: c.6453G>T on transcript NM_000350.3 (MANE Select); coding-DNA position 6453, G replaced by T.
Protein change: p.Met2151Ile; replaces methionine 2151 with isoleucine.
Molecular consequence: missense variant.
Genome position (GRCh38, 1-based): chr1:94,000,862, C>A on the plus strand (G>T on the coding strand, the complement: ABCA4 is on the minus strand). VCF-style: chr1-94000862-C-A. GRCh37 (hg19) VCF-style: chr1-94466418-C-A.
Other names: c.6231G>T, p.Met2077Ile (NM_001425324.1); short protein forms M2151I, M2077I.
Identifiers: ClinVar variation 374182 (VCV000374182.6), dbSNP rs1057518954, ClinGen allele CA16043371.

ClinVar aggregate classification (germline): Uncertain significance. Review status: criteria provided, multiple submitters, no conflicts (2 of 4 stars). 3 submissions from 2 submitters: Uncertain significance (3). Last evaluated 2018-04-04.

Conditions:
Retinal disorder. Also called: Retinopathy; Retinopathies; Retinal Diseases; Retinal disorders. Identifiers: MedGen C0035309, MONDO:0005283, HP:0000488.
Visual impairment. Also called: Impaired vision; vision problems. Identifiers: MedGen C3665347, HP:0000505.
Age related macular degeneration 2. Also called: MACULAR DEGENERATION, SENILE; MACULOPATHY, AGE-RELATED, 2; MACULOPATHY, AGE-RELATED. Identifiers: MedGen C3495438, MONDO:0007932, OMIM 153800.

Submissions (3):

Blueprint Genetics
Classification: Uncertain significance. Last evaluated: 2018-04-04. Review status: criteria provided, single submitter. Criteria: ACMG Guidelines, 2015. Collection method: clinical testing. Allele origin: germline.

Centre for Mendelian Genomics, University Medical Centre Ljubljana
Classification: Uncertain significance for Age related macular degeneration 2. Last evaluated: 2016-01-01. Review status: criteria provided, single submitter. Criteria: ACMG Guidelines, 2015. Collection method: clinical testing. Allele origin: unknown. Affected: yes.
Comment: This variant was classified as: Uncertain significance.

Centre for Mendelian Genomics, University Medical Centre Ljubljana
Classification: Uncertain significance for Retinal disorder; Visual impairment. Last evaluated: 2014-02-17. Review status: criteria provided, single submitter. Criteria: ACMG Guidelines, 2015. Collection method: clinical testing. Allele origin: unknown. Affected: yes.